The following is an entry in ClinVar:

ClinVar aggregate classification (germline): Uncertain significance. Review status: criteria provided, single submitter (1 of 4 stars). 2 submissions from 2 submitters: Uncertain significance (1). 1 of the submissions does not count toward it. Last evaluated 2024-12-02.

Conditions:
Retinal dystrophy. Also called: Inherited retinal dystrophy. Identifiers: Orphanet 71862, MedGen C0854723, MeSH D058499, MONDO:0019118, HP:0000556.

gnomAD v4.1: 14 of 1,609,198 alleles (0.00087%); highest among the groups gnomAD compares: South Asian, 0.0066%; no homozygotes.

Submissions (2):

Labcorp Genetics (formerly Invitae), Labcorp
Classification: Uncertain significance. Last evaluated: 2024-12-02. Review status: criteria provided, single submitter. Criteria: Invitae Variant Classification Sherloc (09022015). Collection method: clinical testing. Allele origin: germline.
Comment: This sequence change replaces alanine, which is neutral and non-polar, with threonine, which is neutral and polar, at codon 1481 of the C3 protein (p.Ala1481Thr). This variant is present in population databases (no rsID available, gnomAD 0.006%). This variant has not been reported in the literature in individuals affected with C3-related conditions. Invitae Evidence Modeling of protein sequence and biophysical properties (such as structural, functional, and spatial information, amino acid conservation, physicochemical variation, residue mobility, and thermodynamic stability) indicates that this missense variant is not expected to disrupt C3 protein function with a negative predictive value of 80%. In summary, the available evidence is currently insufficient to determine the role of this variant in disease. Therefore, it has been classified as a Variant of Uncertain Significance.

Institute of Human Genetics, Univ. Regensburg, Univ. Regensburg
Classification: Uncertain significance for Retinal dystrophy. Last evaluated: 2023-01-01. Review status: no assertion criteria provided. Criteria: ACMG Guidelines, 2015. Collection method: clinical testing. Allele origin: germline. Affected: yes. Not counted in ClinVar's aggregate classification.

NM_000064.4(C3):c.4441G>A (p.Ala1481Thr)

Gene: C3 (complement C3; minus strand). Cytogenetic location: 19p13.3.
Variant type: single nucleotide variant.
Coding change: c.4441G>A on transcript NM_000064.4 (MANE Select); coding-DNA position 4441, G replaced by A.
Protein change: p.Ala1481Thr; replaces alanine 1481 with threonine.
Molecular consequence: missense variant.
Genome position (GRCh38, 1-based): chr19:6,680,173, C>T on the plus strand (G>A on the coding strand, the complement: C3 is on the minus strand). VCF-style: chr19-6680173-C-T. GRCh37 (hg19) VCF-style: chr19-6680184-C-T.
Other names: short protein forms A1481T.
Identifiers: ClinVar variation 3249680 (VCV003249680.3).
Genomic context (GRCh38, chr19:6,680,173, plus strand): 5'-GGCCCCTGGAACCATCAGACCCCAGGCCCTAGGTTGGCTGCTCACCCAGGTTGTAATAGG[C>T]GTAGACCTTGACTGCTCCAGGCTGGATAAGCTCTACATTAAAGTATTGGTGAACTTTGAA-3'
Protein context (NP_000055.2, residues 1471-1491): LIQPGAVKVY[Ala1481Thr]YYNLEESCTR